The following is an entry in ClinVar:

NM_001211.6(BUB1B):c.2175G>A (p.Gln725=)

Gene: BUB1B (BUB1 mitotic checkpoint serine/threonine kinase B; plus strand). Cytogenetic location: 15q15.1.
Variant type: single nucleotide variant.
Coding change: c.2175G>A on transcript NM_001211.6 (MANE Select); coding-DNA position 2175, G replaced by A.
Protein change: p.Gln725=; no amino-acid change (glutamine 725 retained).
Molecular consequence: synonymous variant.
Genome position (GRCh38, 1-based): chr15:40,209,666, G>A. VCF-style: chr15-40209666-G-A. GRCh37 (hg19) VCF-style: chr15-40501867-G-A.
Identifiers: ClinVar variation 2911511 (VCV002911511.4), dbSNP rs2542571638, ClinGen allele CA489710346.

ClinVar aggregate classification (germline): Conflicting classifications of pathogenicity. Review status: criteria provided, conflicting classifications (1 of 4 stars). 2 submissions from 2 submitters: Uncertain significance (1); Likely benign (1). Last evaluated 2025-04-18.

Conditions:
Inborn genetic diseases. Identifiers: MedGen C0950123, MeSH D030342.
Mosaic variegated aneuploidy syndrome 1 (MVA1). Also called: Warburton-Anyane-Yeboa syndrome. Identifiers: Orphanet 1052, MedGen C1850343, MONDO:0009759, OMIM 257300.

Submissions (2):

Ambry Genetics
Classification: Likely benign for Inborn genetic diseases. Last evaluated: 2025-04-18. Review status: criteria provided, single submitter. Criteria: Ambry Variant Classification Scheme 2023. Collection method: clinical testing. Allele origin: germline.

Labcorp Genetics (formerly Invitae), Labcorp
Classification: Uncertain significance for Mosaic variegated aneuploidy syndrome 1. Last evaluated: 2023-03-10. Review status: criteria provided, single submitter. Criteria: Invitae Variant Classification Sherloc (09022015). Collection method: clinical testing. Allele origin: germline.
Comment: In summary, the available evidence is currently insufficient to determine the role of this variant in disease. Therefore, it has been classified as a Variant of Uncertain Significance. This variant is not present in population databases (gnomAD no frequency). This sequence change affects codon 725 of the BUB1B mRNA. It is a 'silent' change, meaning that it does not change the encoded amino acid sequence of the BUB1B protein. Algorithms developed to predict the effect of sequence changes on RNA splicing suggest that this variant may disrupt the consensus splice site. This variant has not been reported in the literature in individuals affected with BUB1B-related conditions.